The following is an entry in ClinVar:

ClinVar aggregate classification (germline): Uncertain significance. Review status: criteria provided, multiple submitters, no conflicts (2 of 4 stars). 4 submissions from 4 submitters: Uncertain significance (2). 2 of the submissions do not count toward it. Last evaluated 2025-01-21.

Conditions:
Sialuria. Also called: SIALURIA, FRENCH TYPE; Sialic Acid Storage Disease. Identifiers: Orphanet 3166, MedGen C0342853, MONDO:0010028, OMIM 269921.
GNE myopathy (NM). Also called: INCLUSION BODY MYOPATHY, HEREDITARY, AUTOSOMAL RECESSIVE; INCLUSION BODY MYOPATHY 2, AUTOSOMAL RECESSIVE; MYOPATHY, DISTAL, WITH OR WITHOUT RIMMED VACUOLES; Inclusion body myopathy autosomal recessive; Inclusion body myopathy quadriceps sparing; NONAKA DISTAL MYOPATHY. Identifiers: Orphanet 602, MedGen C1853926, MONDO:0011603, OMIM 605820.

Allele frequency attached by ClinVar (database versions not stated): gnomAD 0.00002 and 0.00004; TOPMed 0.00003; ExAC 0.00009; gnomAD exomes 0.00010; 1000 Genomes Project 30x 0.00016; 1000 Genomes Project 0.00020.
gnomAD v4.1: 68 of 1,614,122 alleles (0.0042%); highest among the groups gnomAD compares: Middle Eastern, 0.083%; no homozygotes.

Submissions (4):

Labcorp Genetics (formerly Invitae), Labcorp
Classification: Uncertain significance for Sialuria; GNE myopathy. Last evaluated: 2025-01-21. Review status: criteria provided, single submitter. Criteria: Invitae Variant Classification Sherloc (09022015). Collection method: clinical testing. Allele origin: germline.
Comment: This sequence change replaces glycine, which is neutral and non-polar, with glutamic acid, which is acidic and polar, at codon 564 of the GNE protein (p.Gly564Glu). This variant is present in population databases (rs201808007, gnomAD 0.03%). This variant has not been reported in the literature in individuals affected with GNE-related conditions. ClinVar contains an entry for this variant (Variation ID: 855728). Invitae Evidence Modeling of protein sequence and biophysical properties (such as structural, functional, and spatial information, amino acid conservation, physicochemical variation, residue mobility, and thermodynamic stability) has been performed for this missense variant. However, the output from this modeling did not meet the statistical confidence thresholds required to predict the impact of this variant on GNE protein function. In summary, the available evidence is currently insufficient to determine the role of this variant in disease. Therefore, it has been classified as a Variant of Uncertain Significance.

Revvity Omics, Revvity
Classification: Uncertain significance. Last evaluated: 2022-06-07. Review status: criteria provided, single submitter. Criteria: ACMG Guidelines, 2015. Collection method: clinical testing. Allele origin: germline.

Natera, Inc.
Classification: Uncertain significance for Nonaka myopathy. Last evaluated: 2020-01-23. Review status: no assertion criteria provided. Collection method: clinical testing. Allele origin: germline. Not counted in ClinVar's aggregate classification.

Genomics England Pilot Project, Genomics England
Classification: Likely pathogenic for Sialuria. Review status: no assertion criteria provided. Criteria: ACGS Guidelines, 2016. Collection method: clinical testing. Allele origin: germline. Affected: yes. Not counted in ClinVar's aggregate classification.

NM_005476.7(GNE):c.1598G>A (p.Gly533Glu)

Gene: GNE (glucosamine (UDP-N-acetyl)-2-epimerase/N-acetylmannosamine kinase; minus strand). Cytogenetic location: 9p13.3.
Variant type: single nucleotide variant.
Coding change: c.1598G>A on transcript NM_005476.7 (MANE Select); coding-DNA position 1598, G replaced by A.
Protein change: p.Gly533Glu; replaces glycine 533 with glutamic acid.
Molecular consequence: missense variant. On other transcripts: intron variant (1).
Genome position (GRCh38, 1-based): chr9:36,222,812, C>T on the plus strand (G>A on the coding strand, the complement: GNE is on the minus strand). VCF-style: chr9-36222812-C-T. GRCh37 (hg19) VCF-style: chr9-36222809-C-T.
Other names: c.1691G>A, p.Gly564Glu (NM_001128227.3); c.1268G>A, p.Gly423Glu (NM_001190384.3); c.1421G>A, p.Gly474Glu (NM_001190388.2, NM_001374798.1); c.1445G>A, p.Gly482Glu (NM_001374797.1); c.1411+561G>A (NM_001190383.3); short protein forms G474E, G533E, G423E, G564E, G482E.
Identifiers: ClinVar variation 855728 (VCV000855728.10), dbSNP rs201808007, ClinGen allele CA5056463.